The following is an entry in ClinVar:

NM_000053.4(ATP7B):c.122A>G (p.Asn41Ser)

Gene: ATP7B (ATPase copper transporting beta; minus strand). Cytogenetic location: 13q14.3.
Variant type: single nucleotide variant.
Coding change: c.122A>G on transcript NM_000053.4 (MANE Select); coding-DNA position 122, A replaced by G.
Protein change: p.Asn41Ser; replaces asparagine 41 with serine.
Molecular consequence: missense variant.
Genome position (GRCh38, 1-based): chr13:51,975,098, T>C on the plus strand (A>G on the coding strand, the complement: ATP7B is on the minus strand). VCF-style: chr13-51975098-T-C. GRCh37 (hg19) VCF-style: chr13-52549234-T-C.
Other names: c.122A>G, p.Asn41Ser (NM_001005918.3, NM_001243182.2, NM_001330578.2 and 1 more transcripts); short protein forms N41S.
Identifiers: ClinVar variation 157928 (VCV000157928.105), dbSNP rs201738967, ClinGen allele CA271166.

ClinVar aggregate classification (germline): Pathogenic/Likely pathogenic. Review status: criteria provided, multiple submitters, no conflicts (2 of 4 stars). 29 submissions from 29 submitters: Pathogenic (13); Likely pathogenic (14). 2 of the submissions do not count toward it. Last evaluated 2026-06-30.

Conditions:
Inborn genetic diseases. Identifiers: MedGen C0950123, MeSH D030342.
ATP7B-related disorder. Also called: ATP7B-related condition.
Wilson disease (WND). Also called: Wilson's disease. Identifiers: Orphanet 905, MedGen C0019202, MONDO:0010200, OMIM 277900. Disease mechanism: loss of function.

Allele frequency attached by ClinVar (database versions not stated): gnomAD exomes 0.00024 and 0.00065; gnomAD 0.00024 and 0.00025; ESP Exome Variant Server 0.00033; ExAC 0.00023; TOPMed 0.00025.
gnomAD v4.1: 991 of 1,614,114 alleles (0.061%); highest among the groups gnomAD compares: Non-Finnish European, 0.079%; 2 homozygotes.

Submissions 1 to 9 of 29:

PreventionGenetics, part of Exact Sciences
Classification: Likely pathogenic for ATP7B-related condition. Last evaluated: 2026-06-30. Review status: criteria provided, single submitter. Criteria: ACMG Guidelines, 2015. Collection method: clinical testing. Allele origin: germline.
Comment: The ATP7B c.122A>G variant is predicted to result in the amino acid substitution p.Asn41Ser. This variant has been reported, in the compound heterozygous state, in two patients affected with Wilson disease (Deguti et al. 2004. PubMed ID: 15024742; Coffey et al. 2013. PubMed ID: 23518715). In-vitro functional studies showed that this variant results in severely disabled protein targeting and retention (Braiterman et al. 2009. PubMed ID: 19033537). This variant is reported in 0.047% of alleles in individuals of European (Non-Finnish) descent in gnomAD and has been interpreted as pathogenic and likely pathogenic in ClinVar (Variation ID: 157928). This variant is interpreted as likely pathogenic.

CeGaT Center for Human Genetics Tuebingen
Classification: Likely pathogenic. Last evaluated: 2026-06-01. Review status: criteria provided, single submitter. Criteria: CeGaT Center For Human Genetics Tuebingen Variant Classification Criteria Version 2. Collection method: clinical testing. Allele origin: germline. Affected: yes. Observed: 5 variant alleles.
Comment: ATP7B: PM3:Strong, PM2:Supporting, PS3:Supporting

Labcorp Genetics (formerly Invitae), Labcorp
Classification: Pathogenic for Wilson disease. Last evaluated: 2026-01-28. Review status: criteria provided, single submitter. Criteria: Invitae Variant Classification Sherloc (09022015). Collection method: clinical testing. Allele origin: germline.
Comment: This sequence change replaces asparagine, which is neutral and polar, with serine, which is neutral and polar, at codon 41 of the ATP7B protein (p.Asn41Ser). This variant is present in population databases (rs201738967, gnomAD 0.04%). This missense change has been observed in individual(s) with clinical and biochemical features of Wilson disease (PMID: 15024742, 22677543, 23518715; internal data). In at least one individual the data is consistent with being in trans (on the opposite chromosome) from a pathogenic variant. ClinVar contains an entry for this variant (Variation ID: 157928). Invitae Evidence Modeling of protein sequence and biophysical properties (such as structural, functional, and spatial information, amino acid conservation, physicochemical variation, residue mobility, and thermodynamic stability) indicates that this missense variant is expected to disrupt ATP7B protein function with a positive predictive value of 95%. Experimental studies have shown that this missense change affects ATP7B function (PMID: 19033537, 21454443). For these reasons, this variant has been classified as Pathogenic.

Natera, Inc.
Classification: Pathogenic for Wilson disease. Last evaluated: 2025-11-05. Review status: criteria provided, single submitter. Criteria: Natera Variant Classification Schema (03/2026). Collection method: clinical testing. Allele origin: germline.
Comment: The c.122A>G variant in ATP7B is a missense variant predicted to cause substitution of asparagine to serine at amino acid 41. This variant impairs but does not entirely destroy the function of the gene product, and thus may not cause disease when observed in homozygous dosage. This variant is not expected to result in a disease phenotype when homozygous (PMID:22820477). Given the available evidence, this variant is classified as Pathogenic.

Variantyx, Inc.
Classification: Likely pathogenic for Wilson disease. Last evaluated: 2025-05-29. Review status: criteria provided, single submitter. Criteria: Variantyx Assertion Criteria 2022. Collection method: clinical testing. Allele origin: germline. Inheritance: Autosomal recessive inheritance. Affected: no.
Comment: This is a nonsynonymous variant in the ATP7B gene (OMIM: 606882). Pathogenic variants in this gene have been associated with autosomal recessive Wilson disease. Computational algorithms produce conflicting evidence regarding the predicted functional impact of this variant (REVEL score: 0.569), but functional studies have shown that this variant alters ATP7B protein function (PMID: 19033537, 37660282) (PS3). Moreover, the. alteration lies within a known hotspot for pathogenic variants or a well-established critical functional domain of the ATP7B protein (PMID: 19033537) (PM1). This variant has a 0.0788% maximum allele frequency in non-founder control populations (PM2). Based on the current evidence, this variant is classified as likely pathogenic for autosomal recessive Wilson disease.A

Color Diagnostics, LLC DBA Color Health
Classification: Pathogenic for Wilson disease. Last evaluated: 2025-05-13. Review status: criteria provided, single submitter. Criteria: ACMG Guidelines, 2015. Collection method: clinical testing. Allele origin: germline.
Comment: This missense variant replaces asparagine with serine at codon 41 of the ATP7B protein. This variant is located in the p.Phe37_Glu45 sequence that is thought to be an essential apical targeting determinant for ATP7B in elevated copper condition and participate in the post-trans-Golgi network retention of the protein under low-copper condition (PMID: 19033537). Functional studies have shown that this variant results in reduced protein stability and defective copper-induced trafficking of ATP7B protein (PMID: 19033537, 37660282, 38032054). This variant has been observed in many individuals affected with autosomal recessive Wilson disease with at least four individuals confirmed to carry this variant in compound heterozygosity with a second pathogenic variant (PMID: 15024742, 22677543, 22820477, 23518715, 32770663, 33640437, 36096368DOI: 10.21203/rs.3.rs-2858430/v1, 10.12996/gmj.2023.3795ClinVar Accession: SCV000626829.6). This variant has been identified in 68/280840 chromosomes in the general population by the Genome Aggregation Database (gnomAD). Based on the available evidence, this variant is classified as Pathogenic.

Ambry Genetics
Classification: Pathogenic for Inborn genetic diseases. Last evaluated: 2025-05-01. Review status: criteria provided, single submitter. Criteria: Ambry Variant Classification Scheme 2023. Collection method: clinical testing. Allele origin: germline.
Comment: The c.122A>G (p.N41S) alteration is located in exon 2 (coding exon 2) of the ATP7B gene. This alteration results from an A to G substitution at nucleotide position 122, causing the asparagine (N) at amino acid position 41 to be replaced by a serine (S). Based on data from gnomAD, the G allele has an overall frequency of 0.02% (68/280840) total alleles studied. The highest observed frequency was 0.05% (61/128586) of European (non-Finnish) alleles. This variant has been identified in the homozygous state and/or in conjunction with other ATP7B variants in individuals with features consistent with Wilson disease; in at least one instance, the variants were identified in trans (Brunet, 2012; Coffey, 2013; Deguti, 2004; Zhang, 2022). This amino acid position is highly conserved in available vertebrate species. Functional studies showed the p.N41S variant impairs apical targeting, Golgi retention, and ATP7B trafficking in vitro (Braiterman, 2009). The in silico prediction for this alteration is inconclusive. Based on the available evidence, this alteration is classified as pathogenic.

GeneDx
Classification: Likely pathogenic. Last evaluated: 2025-04-28. Review status: criteria provided, single submitter. Criteria: GeneDx Variant Classification Process June 2021. Collection method: clinical testing. Allele origin: germline. Affected: yes.
Comment: Published functional studies demonstrate this variant is associated with impaired protein trafficking and apical targeting, supporting a damaging effect (PMID: 19033537); Reported previously in patients with Wilson disease who were heterozygous for another variant in the ATP7B gene, but it is not known whether the variants occurred on the same (in cis) or on different (in trans) chromosomes (PMID: 15024742, 23518715, 35220961); In silico analysis supports that this missense variant has a deleterious effect on protein structure/function; This variant is associated with the following publications: (PMID: 20437613, 17919502, 21454443, 22677543, 23518715, 22898812, 31589614, 34426522, 32248359, 30275481, 30937429, 27377421, 28719003, 26740555, 27460824, 34620762, 34400371, 22820477, 30097039, 32770663, 22106832, 26986070, 33640437, 31408533, 29473088, 29063292, 31059521, 36096368, 37660282, 34405919, 15024742, 19033537, 35220961, 37895316, 37937776, 39502306, 40088892)

Mayo Clinic Laboratories, Mayo Clinic
Classification: Pathogenic. Last evaluated: 2025-04-15. Review status: criteria provided, single submitter. Criteria: ACMG Guidelines, 2015. Collection method: clinical testing. Allele origin: germline. Observed: 5 variant alleles.
Comment: PM2_supporting, PM3, PS3, PS4_moderate